The following is an entry in ClinVar:

ClinVar aggregate classification (germline): Uncertain significance (1 of 4 stars; one submission).

Conditions:
Propionic acidemia (PROP). Also called: GLYCINEMIA, KETOTIC; HYPERGLYCINEMIA WITH KETOACIDOSIS AND LEUKOPENIA; KETOTIC HYPERGLYCINEMIA. Identifiers: Orphanet 35, MedGen C0268579, MONDO:0011628, OMIM 606054, HP:0003571.

Submission:

Labcorp Genetics (formerly Invitae), Labcorp
Classification: Uncertain significance for Propionic acidemia. Last evaluated: 2022-07-21. Review status: criteria provided, single submitter. Criteria: Invitae Variant Classification Sherloc (09022015). Collection method: clinical testing. Allele origin: germline.
Comment: This sequence change replaces tyrosine, which is neutral and polar, with histidine, which is basic and polar, at codon 508 of the PCCA protein (p.Tyr508His). This variant is not present in population databases (gnomAD no frequency). This variant has not been reported in the literature in individuals affected with PCCA-related conditions. Advanced modeling of protein sequence and biophysical properties (such as structural, functional, and spatial information, amino acid conservation, physicochemical variation, residue mobility, and thermodynamic stability) performed at Invitae indicates that this missense variant is expected to disrupt PCCA protein function. In summary, the available evidence is currently insufficient to determine the role of this variant in disease. Therefore, it has been classified as a Variant of Uncertain Significance.

NM_000282.4(PCCA):c.1522T>C (p.Tyr508His)

Gene: PCCA (propionyl-CoA carboxylase subunit alpha; plus strand). Cytogenetic location: 13q32.3.
Variant type: single nucleotide variant.
Coding change: c.1522T>C on transcript NM_000282.4 (MANE Select); coding-DNA position 1522, T replaced by C.
Protein change: p.Tyr508His; replaces tyrosine 508 with histidine.
Molecular consequence: missense variant. On other transcripts: non-coding transcript variant (5).
Genome position (GRCh38, 1-based): chr13:100,330,653, T>C. VCF-style: chr13-100330653-T-C. GRCh37 (hg19) VCF-style: chr13-100982907-T-C.
Other names: c.1444T>C, p.Tyr482His (NM_001127692.3, NM_001352607.2); c.1522T>C, p.Tyr508His (NM_001178004.2, NM_001352605.2, NM_001352609.2); c.1378T>C, p.Tyr460His (NM_001352606.2); c.1300T>C, p.Tyr434His (NM_001352608.2); c.577T>C, p.Tyr193His (NM_001352610.2, NM_001352611.2); c.433T>C, p.Tyr145His (NM_001352612.2); short protein forms Y145H, Y193H, Y434H, Y460H, Y482H, Y508H.
Identifiers: ClinVar variation 1721193 (VCV001721193.3), dbSNP rs2548249767, ClinGen allele CA388696237.
Genomic context (GRCh38, chr13:100,330,653, plus strand): 5'-GTGATAATCAACTCACGCTTTGTAAAAGGAGACATCAGCACTAAATTTCTCTCCGATGTG[T>C]ATCCTGATGGCTTCAAAGGTTTGTATGCATTAAAATATTTTAGTGTTTTAAAGTTGTTAT-3'
Protein context (NP_000273.2, residues 498-518): DISTKFLSDV[Tyr508His]PDGFKGHMLT